The following is an entry in ClinVar:

ClinVar aggregate classification (germline): Likely pathogenic. Review status: criteria provided, multiple submitters, no conflicts (2 of 4 stars). 2 submissions from 2 submitters: Likely pathogenic (2). Last evaluated 2025-02-22.

Conditions:
Renal carnitine transport defect (CDSP). Also called: Primary carnitine deficiency; Systemic primary carnitine deficiency; CARNITINE DEFICIENCY, SYSTEMIC, DUE TO DEFECT IN RENAL REABSORPTION OF CARNITINE; CARNITINE TRANSPORTER, PLASMA-MEMBRANE, DEFICIENCY OF; CARNITINE UPTAKE DEFECT; Carnitine transporter deficiency. Identifiers: Orphanet 158, MedGen C0342788, MONDO:0008919, OMIM 212140.

Allele frequency attached by ClinVar (database versions not stated): TOPMed below 0.00001; gnomAD 0.00001; 1000 Genomes Project 30x 0.00016; 1000 Genomes Project 0.00020.

Submissions (2):

Labcorp Genetics (formerly Invitae), Labcorp
Classification: Likely pathogenic for Renal carnitine transport defect. Last evaluated: 2025-02-22. Review status: criteria provided, single submitter. Criteria: Invitae Variant Classification Sherloc (09022015). Collection method: clinical testing. Allele origin: germline.
Comment: This sequence change replaces arginine, which is basic and polar, with cysteine, which is neutral and slightly polar, at codon 227 of the SLC22A5 protein (p.Arg227Cys). This variant is present in population databases (rs546902674, gnomAD 0.003%). This variant has not been reported in the literature in individuals affected with SLC22A5-related conditions. ClinVar contains an entry for this variant (Variation ID: 1472238). Invitae Evidence Modeling of protein sequence and biophysical properties (such as structural, functional, and spatial information, amino acid conservation, physicochemical variation, residue mobility, and thermodynamic stability) indicates that this missense variant is expected to disrupt SLC22A5 protein function with a positive predictive value of 95%. This variant disrupts the p.Arg227 amino acid residue in SLC22A5. Other variant(s) that disrupt this residue have been determined to be pathogenic (PMID: 20574985, 26828774; internal data). This suggests that this residue is clinically significant, and that variants that disrupt this residue are likely to be disease-causing. In summary, the currently available evidence indicates that the variant is pathogenic, but additional data are needed to prove that conclusively. Therefore, this variant has been classified as Likely Pathogenic.

Neuberg Centre For Genomic Medicine, NCGM
Classification: Likely pathogenic for Renal carnitine transport defect. Review status: criteria provided, single submitter. Criteria: ACMG Guidelines, 2015. Collection method: clinical testing. Allele origin: germline. Inheritance: Autosomal recessive inheritance. Affected: yes.
Comment: The missense c.679C>T(p.Arg227Cys) variant in SLC22A5 gene has not been reported previously as a pathogenic variant nor a benign variant, to our knowledge. The p.Arg227Cys variant has been reported with allele frequency of 0.0004% in gnomAD Exomes. This variant has been reported to the ClinVar database as Likely Pathogenic (single submission). Different missense change [c.680G>A (p.Arg227His)] at the same codon has been previously reported to be Pathogenic (Longo N, et. al., 2016; Li FY, et. al., 2010). The amino acid change p.Arg227Cys in SLC22A5 is predicted as conserved by GERP++ and PhyloP across 100 vertebrates. The amino acid Arg at position 227 is changed to a Cys changing protein sequence and it might alter its composition and physico-chemical properties. Because a different missense change at the same codon has been previously reported as pathogenic and there is one submission for missense c.679C>T (p.Arg227Cys) variant in SLC22A5 gene as Likely Pathogenic in ClinVar databases, this variant has been classified as Likely Pathogenic.

Literature cited by the submitters: PubMed 20574985 (cited by Labcorp Genetics (formerly Invitae), Labcorp); PubMed 26828774 (cited by Labcorp Genetics (formerly Invitae), Labcorp).

NM_003060.4(SLC22A5):c.679C>T (p.Arg227Cys)

Gene: SLC22A5 (solute carrier family 22 member 5; plus strand). Cytogenetic location: 5q31.1.
Variant type: single nucleotide variant.
Coding change: c.679C>T on transcript NM_003060.4 (MANE Select); coding-DNA position 679, C replaced by T.
Protein change: p.Arg227Cys; replaces arginine 227 with cysteine.
Molecular consequence: missense variant.
Genome position (GRCh38, 1-based): chr5:132,385,354, C>T. VCF-style: chr5-132385354-C-T. GRCh37 (hg19) VCF-style: chr5-131721046-C-T.
Other names: c.751C>T, p.Arg251Cys (NM_001308122.2); short protein forms R251C, R227C.
Identifiers: ClinVar variation 1472238 (VCV001472238.9), dbSNP rs546902674, ClinGen allele CA3403948.